The following is an entry in ClinVar:

NM_003072.5(SMARCA4):c.937C>G (p.Pro313Ala)

Gene: SMARCA4 (SWI/SNF related BAF chromatin remodeling complex subunit ATPase 4; plus strand). Cytogenetic location: 19p13.2.
Variant type: single nucleotide variant.
Coding change: c.937C>G on transcript NM_003072.5 (MANE Select); coding-DNA position 937, C replaced by G.
Protein change: p.Pro313Ala; replaces proline 313 with alanine.
Molecular consequence: missense variant. On other transcripts: non-coding transcript variant (1).
Genome position (GRCh38, 1-based): chr19:10,987,743, C>G. VCF-style: chr19-10987743-C-G. GRCh37 (hg19) VCF-style: chr19-11098419-C-G.
Other names: c.937C>G, p.Pro313Ala (NM_001128844.3, NM_001128845.2, NM_001128846.2 and 6 more transcripts); short protein forms P313A.
Identifiers: ClinVar variation 1766733 (VCV001766733.6), dbSNP rs1195480403, ClinGen allele CA404058490.
Genomic context (GRCh38, chr19:10,987,743, plus strand): 5'-GCTGCCCCCACGAGCACCCCTCAGAAGCTGATTCCCCCGCAGCCAACGGGCCGCCCTTCC[C>G]CCGCGCCCCCTGCCGTCCCACCCGCCGCCTCGCCCGTGATGCCACCGCAGACCCAGTCCC-3'
Protein context (NP_003063.2, residues 303-323): IPPQPTGRPS[Pro313Ala]APPAVPPAAS

ClinVar aggregate classification (germline): Uncertain significance. Review status: criteria provided, multiple submitters, no conflicts (2 of 4 stars). 2 submissions from 2 submitters: Uncertain significance (2). Last evaluated 2025-04-28.

Conditions:
Hereditary cancer-predisposing syndrome. Also called: Hereditary Cancer Syndrome; Hereditary neoplastic syndrome; Neoplastic Syndromes, Hereditary; Tumor predisposition. Identifiers: Orphanet 140162, MedGen C0027672, MeSH D009386, MONDO:0015356.
Rhabdoid tumor predisposition syndrome 2 (RTPS2). Identifiers: Orphanet 231108, Orphanet 69077, MedGen C2750074, MONDO:0013224, OMIM 613325.

Allele frequency attached by ClinVar (database versions not stated): gnomAD exomes below 0.00001.
gnomAD v4.1: 1 of 1,602,552 alleles (0.000062%); highest among the groups gnomAD compares: East Asian, 0.0023%; no homozygotes.

Submissions (2):

Ambry Genetics
Classification: Uncertain significance for Hereditary cancer-predisposing syndrome. Last evaluated: 2025-04-28. Review status: criteria provided, single submitter. Criteria: Ambry Variant Classification Scheme 2023. Collection method: clinical testing. Allele origin: germline.
Comment: The p.P313A variant (also known as c.937C>G), located in coding exon 5 of the SMARCA4 gene, results from a C to G substitution at nucleotide position 937. The proline at codon 313 is replaced by alanine, an amino acid with highly similar properties. This amino acid position is highly conserved in available vertebrate species. In addition, the in silico prediction for this alteration is inconclusive. Missense and in-frame variants in SMARCA4 are known to cause neurodevelopmental disorders; however, such associations with rhabdoid tumor predisposition syndrome including small cell carcinoma of the ovary-hypercalcemic type (SCCOHT) are exceedingly rare (Kosho T et al. Am J Med Genet C Semin Med Genet. 2014 Sep;166C(3):262-75; Jelinic P et al. Nat Genet. 2014 May;46(5):424-6). Based on the supporting evidence, the association of this alteration with Coffin-Siris syndrome is unknown; however, the association of this alteration with rhabdoid tumor predisposition syndrome is unlikely.

Labcorp Genetics (formerly Invitae), Labcorp
Classification: Uncertain significance for Rhabdoid tumor predisposition syndrome 2. Last evaluated: 2024-08-04. Review status: criteria provided, single submitter. Criteria: Invitae Variant Classification Sherloc (09022015). Collection method: clinical testing. Allele origin: germline.
Comment: This sequence change replaces proline, which is neutral and non-polar, with alanine, which is neutral and non-polar, at codon 313 of the SMARCA4 protein (p.Pro313Ala). This variant is present in population databases (no rsID available, gnomAD 0.006%). This variant has not been reported in the literature in individuals affected with SMARCA4-related conditions. ClinVar contains an entry for this variant (Variation ID: 1766733). Advanced modeling of protein sequence and biophysical properties (such as structural, functional, and spatial information, amino acid conservation, physicochemical variation, residue mobility, and thermodynamic stability) has been performed at Invitae for this missense variant, however the output from this modeling did not meet the statistical confidence thresholds required to predict the impact of this variant on SMARCA4 protein function. In summary, the available evidence is currently insufficient to determine the role of this variant in disease. Therefore, it has been classified as a Variant of Uncertain Significance.